The following is an entry in ClinVar:

NM_004937.3(CTNS):c.*1116C>T

Gene: CTNS (cystinosin, lysosomal cystine transporter; plus strand). Cytogenetic location: 17p13.2.
Variant type: single nucleotide variant.
Coding change: c.*1116C>T on transcript NM_004937.3 (MANE Select); 1116 bases downstream of the stop codon, C replaced by T.
Molecular consequence: 3 prime UTR variant.
Genome position (GRCh38, 1-based): chr17:3,661,485, C>T. VCF-style: chr17-3661485-C-T. GRCh37 (hg19) VCF-style: chr17-3564779-C-T.
Other names: c.*751C>T (NM_001031681.3, NM_001374492.1); c.*1116C>T (NM_001374493.1, NM_001374494.1, NM_001374495.1 and 1 more transcripts).
Identifiers: ClinVar variation 322878 (VCV000322878.6), dbSNP rs1048682, ClinGen allele CA10639481.

ClinVar aggregate classification (germline): Benign. Review status: criteria provided, multiple submitters, no conflicts (2 of 4 stars). 3 submissions from 2 submitters: Benign (3). Last evaluated 2018-01-12.

Conditions:
Ocular cystinosis. Also called: Non-Nephropathic (Ocular) Cystinosis; Non-Nephropathic Cystinosis. Identifiers: Orphanet 213, Orphanet 411641, MedGen C2931013, MONDO:0009064, OMIM 219750.
Nephropathic cystinosis (CTNS). Also called: CYSTINOSIN, DEFECT OF; LYSOSOMAL CYSTINE TRANSPORT PROTEIN, DEFECT OF; Abderhalden Lignac Kaufmann disease; Abderhalden-Kaufmann-Lignac syndrome. Identifiers: Orphanet 213, Orphanet 411629, MedGen C2931187, MONDO:0100151, OMIM 219800.

Allele frequency attached by ClinVar (database versions not stated): TOPMed 0.18510; gnomAD 0.18891 and 0.19148; 1000 Genomes Project 0.19289; 1000 Genomes Project 30x 0.19332; gnomAD exomes 0.20000.

Submissions (3):

Illumina Laboratory Services, Illumina
Classification: Benign for Ocular cystinosis. Last evaluated: 2018-01-12. Review status: criteria provided, single submitter. Criteria: ICSL Variant Classification Criteria 13 December 2019. Collection method: clinical testing. Allele origin: germline.
Comment: This variant was observed in the ICSL laboratory as part of a predisposition screen in an ostensibly healthy population. It had not been previously curated by ICSL or reported in the Human Gene Mutation Database (HGMD: prior to June 1st, 2018), and was therefore a candidate for classification through an automated scoring system. Utilizing variant allele frequency, disease prevalence and penetrance estimates, and inheritance mode, an automated score was calculated to assess if this variant is too frequent to cause the disease. Based on the score and internal cut-off values, a variant classified as benign is not then subjected to further curation. The score for this variant resulted in a classification of benign for this disease.

Illumina Laboratory Services, Illumina
Classification: Benign for Nephropathic cystinosis. Last evaluated: 2018-01-12. Review status: criteria provided, single submitter. Criteria: ICSL Variant Classification Criteria 13 December 2019. Collection method: clinical testing. Allele origin: germline.
Comment: the same text as in the submission from Illumina Laboratory Services, Illumina above.

Breakthrough Genomics
Classification: Benign. Review status: criteria provided, single submitter. Criteria: ACMG Guidelines, 2015. Collection method: not provided. Allele origin: germline. Inheritance: Autosomal recessive inheritance. Affected: yes.